The following is an entry in ClinVar:

NM_001845.6(COL4A1):c.3877-9_3877-8delinsTA

Gene: COL4A1 (collagen type IV alpha 1 chain; minus strand). Cytogenetic location: 13q34.
Variant type: Indel.
Coding change: c.3877-9_3877-8delinsTA on transcript NM_001845.6 (MANE Select); 9 bases into the intron before coding-DNA position 3877 through 8 bases into the intron before coding-DNA position 3877, CG replaced by TA.
Molecular consequence: intron variant.
Genome position (GRCh38, 1-based): chr13:110,167,238-110,167,239, CG replaced by TA on the plus strand (CG replaced by TA on the coding strand, the reverse complement: COL4A1 is on the minus strand). VCF-style: chr13-110167238-CG-TA. GRCh37 (hg19) VCF-style: chr13-110819585-CG-TA.
Identifiers: ClinVar variation 2830526 (VCV002830526.3), dbSNP rs2501752149, ClinGen allele CA2739277719.

ClinVar aggregate classification (germline): Uncertain significance (1 of 4 stars; one submission).

Submission:

Labcorp Genetics (formerly Invitae), Labcorp
Classification: Uncertain significance. Last evaluated: 2023-01-30. Review status: criteria provided, single submitter. Criteria: Invitae Variant Classification Sherloc (09022015). Collection method: clinical testing. Allele origin: germline.
Comment: This sequence change falls in intron 43 of the COL4A1 gene. It does not directly change the encoded amino acid sequence of the COL4A1 protein. Information on the frequency of this variant in the gnomAD database is not available, as this variant may be reported differently in the database. This variant has not been reported in the literature in individuals affected with COL4A1-related conditions. Experimental studies and prediction algorithms are not available or were not evaluated, and the effect of this variant on mRNA splicing is currently unknown. In summary, the available evidence is currently insufficient to determine the role of this variant in disease. Therefore, it has been classified as a Variant of Uncertain Significance.